The following is an entry in ClinVar:

NM_022041.4(GAN):c.497G>T (p.Ser166Ile)

Gene: GAN (gigaxonin; plus strand). Cytogenetic location: 16q23.2.
Variant type: single nucleotide variant.
Coding change: c.497G>T on transcript NM_022041.4 (MANE Select); coding-DNA position 497, G replaced by T.
Protein change: p.Ser166Ile; replaces serine 166 with isoleucine.
Molecular consequence: missense variant. On other transcripts: 5 prime UTR variant (1).
Genome position (GRCh38, 1-based): chr16:81,354,619, G>T. VCF-style: chr16-81354619-G-T. GRCh37 (hg19) VCF-style: chr16-81388224-G-T.
Other names: c.-143G>T (NM_001377486.1); short protein forms S166I.
Identifiers: ClinVar variation 1922642 (VCV001922642.5), dbSNP rs758366654, ClinGen allele CA8191380.

ClinVar aggregate classification (germline): Uncertain significance (1 of 4 stars; one submission).

Conditions:
Giant axonal neuropathy 1 (GAN1). Also called: GIANT AXONAL NEUROPATHY 1, AUTOSOMAL RECESSIVE; GAN-Related Neurodegeneration. Identifiers: Orphanet 643, MedGen C1850386, MONDO:0009749, OMIM 256850.

Allele frequency attached by ClinVar (database versions not stated): ExAC 0.00001; gnomAD 0.00001.
gnomAD v4.1: 3 of 1,613,544 alleles (0.00019%); highest among the groups gnomAD compares: Non-Finnish European, 0.00025%; no homozygotes.

Submission:

Labcorp Genetics (formerly Invitae), Labcorp
Classification: Uncertain significance for Giant axonal neuropathy 1. Last evaluated: 2022-06-01. Review status: criteria provided, single submitter. Criteria: Invitae Variant Classification Sherloc (09022015). Collection method: clinical testing. Allele origin: germline.
Comment: In summary, the available evidence is currently insufficient to determine the role of this variant in disease. Therefore, it has been classified as a Variant of Uncertain Significance. Algorithms developed to predict the effect of missense changes on protein structure and function (SIFT, PolyPhen-2, Align-GVGD) all suggest that this variant is likely to be tolerated. This variant has not been reported in the literature in individuals affected with GAN-related conditions. This variant is present in population databases (rs758366654, gnomAD 0.0009%). This sequence change replaces serine, which is neutral and polar, with isoleucine, which is neutral and non-polar, at codon 166 of the GAN protein (p.Ser166Ile).